The following is an entry in ClinVar:

NM_001267550.2(TTN):c.58019T>A (p.Leu19340His)

Genes: TTN (titin; minus strand), TTN-AS1 (TTN antisense RNA 1; plus strand). Cytogenetic location: 2q31.2.
Variant type: single nucleotide variant.
Coding change: c.58019T>A on transcript NM_001267550.2 (MANE Select); coding-DNA position 58019, T replaced by A.
Protein change: p.Leu19340His; replaces leucine 19340 with histidine.
Molecular consequence: missense variant.
Genome position (GRCh38, 1-based): chr2:178,594,475, A>T on the plus strand (T>A on the coding strand, the complement: TTN is on the minus strand). VCF-style: chr2-178594475-A-T. GRCh37 (hg19) VCF-style: chr2-179459202-A-T.
Other names: c.53096T>A, p.Leu17699His (NM_001256850.1); c.30824T>A, p.Leu10275His (NM_003319.4); c.50315T>A, p.Leu16772His (NM_133378.4); c.31199T>A, p.Leu10400His (NM_133432.3); c.31400T>A, p.Leu10467His (NM_133437.4); short protein forms L16772H, L19340H, L10400H, L17699H, L10467H, L10275H.
Identifiers: ClinVar variation 263609 (VCV000263609.3), dbSNP rs777213118, ClinGen allele CA1992944.
Genomic context (GRCh38, chr2:178,594,475, plus strand): 5'-CTGACACGGTACTCATAGGTATCACCTTCTTTTAAGCCTTTAACAGTGTATTTTCTGCTA[A>T]GCAAGTTGTCATTTGTAACTTTGTGGAACTTCTCAGTCCCAATGAGCCGACTTTCTAGGA-3'
Protein context (NP_001254479.2, residues 19330-19350): KFHKVTNDNL[Leu19340His]SRKYTVKGLK

ClinVar aggregate classification (germline): Uncertain significance (1 of 4 stars; one submission).

Conditions:
Cardiovascular phenotype. Identifiers: MedGen CN230736.

Allele frequency attached by ClinVar (database versions not stated): gnomAD exomes below 0.00001 and 0.00001; ExAC 0.00001; gnomAD 0.00001.
gnomAD v4.1: 18 of 1,613,268 alleles (0.0011%); highest among the groups gnomAD compares: Non-Finnish European, 0.0014%; no homozygotes.

Submission:

Ambry Genetics
Classification: Uncertain significance for Cardiovascular phenotype. Last evaluated: 2013-05-15. Review status: criteria provided, single submitter. Criteria: Ambry Autosomal Dominant and X-Linked criteria (10/2015). Collection method: clinical testing. Allele origin: germline. Observed: 1 variant allele.
Comment: There is insufficient or conflicting evidence for classification of this alteration.